The following is an entry in ClinVar:

ClinVar aggregate classification (germline): Uncertain significance (1 of 4 stars; one submission).

Submission:

GeneDx
Classification: Uncertain significance. Last evaluated: 2022-10-31. Review status: criteria provided, single submitter. Criteria: GeneDx Variant Classification Process June 2021. Collection method: clinical testing. Allele origin: germline. Affected: yes.
Comment: Not observed at significant frequency in large population cohorts (gnomAD); Nonsense variant predicted to result in protein truncation or nonsense mediated decay in a gene or region of a gene for which loss of function is not a well-established mechanism of disease; Has not been previously published as pathogenic or benign to our knowledge

NM_012470.4(TNPO3):c.528C>G (p.Tyr176Ter)

Gene: TNPO3 (transportin 3; minus strand). Cytogenetic location: 7q32.1.
Variant type: single nucleotide variant.
Coding change: c.528C>G on transcript NM_012470.4 (MANE Select); coding-DNA position 528, C replaced by G.
Protein change: p.Tyr176Ter; replaces tyrosine 176 with a stop codon.
Molecular consequence: nonsense. On other transcripts: non-coding transcript variant (18).
Genome position (GRCh38, 1-based): chr7:129,015,003, G>C on the plus strand (C>G on the coding strand, the complement: TNPO3 is on the minus strand). VCF-style: chr7-129015003-G-C. GRCh37 (hg19) VCF-style: chr7-128655057-G-C.
Other names: c.528C>G, p.Tyr176Ter (NM_001191028.3, NM_001382216.1, NM_001382218.1 and 5 more transcripts); c.609C>G, p.Tyr203Ter (NM_001382217.1); short protein forms Y176*, Y203*.
Identifiers: ClinVar variation 2500372 (VCV002500372.1), dbSNP rs2536397812, ClinGen allele CA369246190.